The following is an entry in ClinVar:

NM_006180.6(NTRK2):c.1372A>G (p.Arg458Gly)

Gene: NTRK2 (neurotrophic receptor tyrosine kinase 2; plus strand). Cytogenetic location: 9q21.33.
Variant type: single nucleotide variant.
Coding change: c.1372A>G on transcript NM_006180.6 (MANE Select); coding-DNA position 1372, A replaced by G.
Protein change: p.Arg458Gly; replaces arginine 458 with glycine.
Molecular consequence: missense variant.
Genome position (GRCh38, 1-based): chr9:84,752,061, A>G. VCF-style: chr9-84752061-A-G. GRCh37 (hg19) VCF-style: chr9-87366976-A-G.
Other names: c.1372A>G (NM_006180.4); c.1372A>G, p.Arg458Gly (NM_001007097.3, NM_001018064.3, NM_001018065.2 and 16 more transcripts); c.1333A>G, p.Arg445Gly (NM_001291937.2, NM_001369546.1); c.1336A>G, p.Arg446Gly (NM_001369534.1); c.904A>G, p.Arg302Gly (NM_001369535.1, NM_001369536.1, NM_001369550.1 and 2 more transcripts); short protein forms R446G, R445G, R458G, R302G.
Identifiers: ClinVar variation 2191608 (VCV002191608.7), dbSNP rs999011148, ClinGen allele CA195754474.

ClinVar aggregate classification (germline): Uncertain significance. Review status: criteria provided, multiple submitters, no conflicts (2 of 4 stars). 2 submissions from 2 submitters: Uncertain significance (2). Last evaluated 2026-05-26.

Conditions:
NTRK2-related disorder. Also called: NTRK2-related condition.

Allele frequency attached by ClinVar (database versions not stated): gnomAD exomes 0.00001; TOPMed 0.00002.
gnomAD v4.1: 19 of 1,613,960 alleles (0.0012%); highest among the groups gnomAD compares: Non-Finnish European, 0.0016%; no homozygotes.

Submissions (2):

PreventionGenetics, part of Exact Sciences
Classification: Uncertain significance for NTRK2-related condition. Last evaluated: 2026-05-26. Review status: criteria provided, single submitter. Criteria: ACMG Guidelines, 2015. Collection method: clinical testing. Allele origin: germline.
Comment: The NTRK2 c.1372A>G variant is predicted to result in the amino acid substitution p.Arg458Gly. This variant has been reported in two individuals with hematologic malignancies (Joshi et al. 2020. PubMed ID: 32315394); however, to our knowledge, it has not been reported in individuals with NTRK2-related disease. This variant is reported in 0.00088% of alleles in individuals of European (Non-Finnish) descent in gnomAD. At this time, the clinical significance of this variant is uncertain due to the absence of conclusive functional and genetic evidence.

Labcorp Genetics (formerly Invitae), Labcorp
Classification: Uncertain significance. Last evaluated: 2025-08-02. Review status: criteria provided, single submitter. Criteria: Invitae Variant Classification Sherloc (09022015). Collection method: clinical testing. Allele origin: germline.
Comment: This sequence change replaces arginine, which is basic and polar, with glycine, which is neutral and non-polar, at codon 458 of the NTRK2 protein (p.Arg458Gly). This variant is present in population databases (no rsID available, gnomAD 0.0009%). This variant has not been reported in the literature in individuals affected with NTRK2-related conditions. ClinVar contains an entry for this variant (Variation ID: 2191608). Invitae Evidence Modeling of protein sequence and biophysical properties (such as structural, functional, and spatial information, amino acid conservation, physicochemical variation, residue mobility, and thermodynamic stability) indicates that this missense variant is not expected to disrupt NTRK2 protein function with a negative predictive value of 80%. In summary, the available evidence is currently insufficient to determine the role of this variant in disease. Therefore, it has been classified as a Variant of Uncertain Significance.